The following is an entry in ClinVar:

ClinVar aggregate classification (germline): Uncertain significance. Review status: criteria provided, multiple submitters, no conflicts (2 of 4 stars). 2 submissions from 2 submitters: Uncertain significance (2). Last evaluated 2024-05-14.

Conditions:
MHC class I deficiency. Identifiers: Orphanet 34592, MedGen C6024714, MONDO:0011476.

Allele frequency attached by ClinVar (database versions not stated): gnomAD exomes 0.00001 and 0.00002; gnomAD 0.00003; ExAC 0.00002; TOPMed 0.00002.
gnomAD v4.1: 41 of 1,612,928 alleles (0.0025%); highest among the groups gnomAD compares: Non-Finnish European, 0.0033%; no homozygotes.

Submissions (2):

Ambry Genetics
Classification: Uncertain significance. Last evaluated: 2024-05-14. Review status: criteria provided, single submitter. Criteria: Ambry Variant Classification Scheme 2023. Collection method: clinical testing. Allele origin: germline.

Labcorp Genetics (formerly Invitae), Labcorp
Classification: Uncertain significance for MHC class I deficiency 1. Last evaluated: 2022-07-05. Review status: criteria provided, single submitter. Criteria: Invitae Variant Classification Sherloc (09022015). Collection method: clinical testing. Allele origin: germline.
Comment: This variant has not been reported in the literature in individuals affected with TAPBP-related conditions. This variant is present in population databases (rs765383234, gnomAD 0.003%). This sequence change replaces alanine, which is neutral and non-polar, with threonine, which is neutral and polar, at codon 433 of the TAPBP protein (p.Ala433Thr). ClinVar contains an entry for this variant (Variation ID: 1426651). In summary, the available evidence is currently insufficient to determine the role of this variant in disease. Therefore, it has been classified as a Variant of Uncertain Significance. Algorithms developed to predict the effect of missense changes on protein structure and function (SIFT, PolyPhen-2, Align-GVGD) all suggest that this variant is likely to be tolerated.

NM_003190.5(TAPBP):c.1297G>A (p.Ala433Thr)

Gene: TAPBP (TAP binding protein; minus strand). Cytogenetic location: 6p21.32.
Variant type: single nucleotide variant.
Coding change: c.1297G>A on transcript NM_003190.5 (MANE Select); coding-DNA position 1297, G replaced by A.
Protein change: p.Ala433Thr; replaces alanine 433 with threonine.
Molecular consequence: missense variant.
Genome position (GRCh38, 1-based): chr6:33,304,131, C>T on the plus strand (G>A on the coding strand, the complement: TAPBP is on the minus strand). VCF-style: chr6-33304131-C-T. GRCh37 (hg19) VCF-style: chr6-33271908-C-T.
Other names: c.1297G>A (NM_003190.4); c.1297G>A, p.Ala433Thr (NM_172208.3); c.1036G>A, p.Ala346Thr (NM_172209.3); short protein forms A433T, A346T.
Identifiers: ClinVar variation 1426651 (VCV001426651.7), dbSNP rs765383234, ClinGen allele CA3755669.